The following is an entry in ClinVar:

ClinVar aggregate classification (germline): Uncertain significance (1 of 4 stars; one submission).

Allele frequency attached by ClinVar (database versions not stated): ExAC 0.00001; TOPMed 0.00001; gnomAD 0.00002; gnomAD exomes 0.00003.
gnomAD v4.1: 44 of 1,607,212 alleles (0.0027%); highest among the groups gnomAD compares: Non-Finnish European, 0.0036%; no homozygotes.

Submission:

Mayo Clinic Laboratories, Mayo Clinic
Classification: Uncertain significance. Last evaluated: 2022-03-15. Review status: criteria provided, single submitter. Criteria: ACMG Guidelines, 2015. Collection method: clinical testing. Allele origin: germline. Observed: 1 variant allele.
Comment: PP3, PM2

NM_025193.4(HSD3B7):c.965A>G (p.Tyr322Cys)

Gene: HSD3B7 (hydroxy-delta-5-steroid dehydrogenase, 3 beta- and steroid delta-isomerase 7; plus strand). Cytogenetic location: 16p11.2.
Variant type: single nucleotide variant.
Coding change: c.965A>G on transcript NM_025193.4 (MANE Select); coding-DNA position 965, A replaced by G.
Protein change: p.Tyr322Cys; replaces tyrosine 322 with cysteine.
Molecular consequence: missense variant. On other transcripts: 3 prime UTR variant (2).
Genome position (GRCh38, 1-based): chr16:30,988,038, A>G. VCF-style: chr16-30988038-A-G. GRCh37 (hg19) VCF-style: chr16-30999359-A-G.
Other names: p.Tyr322Cys; c.*211A>G (NM_001142777.2, NM_001142778.2); short protein forms Y322C.
Identifiers: ClinVar variation 2683358 (VCV002683358.1), dbSNP rs772080345, ClinGen allele CA8018147.